The following is an entry in ClinVar:

NM_004612.4(TGFBR1):c.486G>T (p.Glu162Asp)

Gene: TGFBR1 (transforming growth factor beta receptor 1; plus strand). Cytogenetic location: 9q22.33.
Variant type: single nucleotide variant.
Coding change: c.486G>T on transcript NM_004612.4 (MANE Select); coding-DNA position 486, G replaced by T.
Protein change: p.Glu162Asp; replaces glutamic acid 162 with aspartic acid.
Molecular consequence: missense variant. On other transcripts: non-coding transcript variant (4), intron variant (3).
Genome position (GRCh38, 1-based): chr9:99,132,651, G>T. VCF-style: chr9-99132651-G-T. GRCh37 (hg19) VCF-style: chr9-101894933-G-T.
Other names: c.498G>T, p.Glu166Asp (NM_001306210.2, NM_001407416.1); c.486G>T, p.Glu162Asp (NM_001407417.1, NM_001407435.1); c.291G>T, p.Glu97Asp (NM_001407418.1, NM_001407419.1, NM_001407420.1 and 1 more transcripts); c.279G>T, p.Glu93Asp (NM_001407423.1, NM_001407424.1, NM_001407425.1 and 8 more transcripts); c.240G>T, p.Glu80Asp (NM_001407436.1); c.343+3551G>T (NM_001130916.3); c.98-5208G>T (NM_001407438.1); c.98-9885G>T (NM_001407437.1); short protein forms E162D, E166D, E80D, E93D, E97D.
Identifiers: ClinVar variation 4756498 (VCV004756498.1).

ClinVar aggregate classification (germline): Uncertain significance (1 of 4 stars; one submission).

Conditions:
Familial thoracic aortic aneurysm and aortic dissection (TAAD). Also called: Thoracic aortic aneurysms and dissections. Identifiers: Orphanet 91387, MedGen C4707243, MONDO:0019625.

Submission:

Color Diagnostics, LLC DBA Color Health
Classification: Uncertain significance for Familial thoracic aortic aneurysm and aortic dissection. Last evaluated: 2025-09-18. Review status: criteria provided, single submitter. Criteria: ACMG Guidelines, 2015. Collection method: clinical testing. Allele origin: germline.
Comment: This missense variant replaces glutamic acid with aspartic acid at codon 162 of the TGFBR1 protein. Computational prediction suggests that this variant may not impact protein structure and function. To our knowledge, functional studies have not been reported for this variant. This variant has not been reported in individuals affected with TGFBR1-related disorders in the literature. This variant has not been identified in the general population by the Genome Aggregation Database (gnomAD). The available evidence is insufficient to determine the role of this variant in disease conclusively. Therefore, this variant is classified as a Variant of Uncertain Significance.